The following is an entry in ClinVar:

ClinVar aggregate classification (germline): Likely pathogenic. Review status: reviewed by expert panel (3 of 4 stars). 7 submissions from 7 submitters: Likely pathogenic (1). 6 of the submissions do not count toward it. Last evaluated 2025-08-08.

Conditions:
Mucopolysaccharidosis type 1. Also called: IDUA deficiency; MPS I; Mucopolysaccharidosis Type I. Identifiers: Orphanet 579, MedGen C0023786, MONDO:0001586.
Hurler syndrome. Also called: Gargoylism, Hurler Syndrome; MUCOPOLYSACCHARIDOSIS TYPE IH; Severe MPS I (Hurler Syndrome). Identifiers: Orphanet 93473, MedGen C0086795, MONDO:0011758, OMIM 607014.

Allele frequency attached by ClinVar (database versions not stated): gnomAD exomes below 0.00001; TOPMed 0.00002.
gnomAD v4.1: 6 of 1,559,160 alleles (0.00038%); highest among the groups gnomAD compares: Middle Eastern, 0.017%; no homozygotes.

Submissions (7):

ClinGen Lysosomal Storage Disorder Variant Curation Expert Panel
Classification: Likely pathogenic for Mucopolysaccharidosis type 1. Last evaluated: 2025-08-08. Review status: reviewed by expert panel. Criteria: ClinGen LSD ACMG Specifications IDUA V1.0.0. Collection method: curation. Allele origin: germline. Inheritance: Autosomal recessive inheritance.
Comment: The NM_000203.5:c.956C>T variant in IDUA is a missense variant predicted to cause substitution of alanine by valine at amino acid 319 (p.Ala319Val). The highest population minor allele frequency in gnomAD v4.1.0 is 0.0001673 (1/5976 alleles) in the Middle Eastern population, which is lower than the ClinGen Lysosomal Diseases VCEP’s threshold for PM2_Supporting (<0.00025), meeting this criterion (PM2_Supporting). When expressed in COS cells, the activity of the variant was indistinguishable from that of untransfected COS cells (PMID: 11735025) (PS3_Supporting). The computational predictor REVEL gives a score of 0.896 which is above the threshold of 0.773, evidence that correlates with impact to IDUA function at the moderate level based on the specifications of the ClinGen Lysosomal Diseases VCEP (PMID: 36413997) (PP3_Moderate). There is a ClinVar entry for this variant (Variation ID: 1683230). In summary, this variant meets the criteria to be classified as likely pathogenic for mucopolysaccharidosis type I based on the IDUA-specific ACMG/AMP criteria applied, as specified by the ClinGen Lysosomal Diseases Expert Panel (Specifications Version 1.0.0): PP3_Moderate, PP4, PS3_Supporting, PM2_Supporting, PM3_Supporting. (Classification approved by the ClinGen Lysosomal Diseases Expert Panel, August 8, 2025)

Myriad Genetics, Inc.
Classification: Uncertain significance for Mucopolysaccharidosis type 1. Last evaluated: 2025-12-22. Review status: criteria provided, single submitter. Criteria: Myriad Autosomal Dominant, Autosomal Recessive and X-Linked Classification Criteria (2023). Collection method: clinical testing. Allele origin: unknown. Not counted in ClinVar's aggregate classification.
Comment: NM_000203.3(IDUA):c.956C>T(A319V) is a missense variant classified as a variant of uncertain significance in the context of mucopolysaccharidosis type I. A319V has been observed in cases with relevant disease (PMID: 11735025, 34148116, 16188808). Relevant functional assessments of this variant are available in the literature (PMID: 11735025). A319V has not been observed in referenced population frequency databases. In summary, there is insufficient evidence to classify NM_000203.3(IDUA):c.956C>T(A319V) as pathogenic or benign. Please note: this variant was assessed in the context of healthy population screening.

Natera, Inc.
Classification: Likely pathogenic for Mucopolysaccharidosis type I. Last evaluated: 2025-08-07. Review status: criteria provided, single submitter. Criteria: Natera Variant Classification Schema (03/2026). Collection method: clinical testing. Allele origin: germline. Not counted in ClinVar's aggregate classification.
Comment: The c.956C>T variant in IDUA is a missense variant predicted to cause substitution of alanine to valine at amino acid 319. This variant is rare in the general population with a frequency below the threshold expected for the associated phenotype(s). This variant has been observed in one or more individuals affected with the associated recessive disease, as either homozygous or compound heterozygous with a second variant (PMID: 11735025, 31194252, 34148116). Functional studies show that this variant may disrupt protein function (PMID: 11735025). Computational prediction algorithms indicate this variant is likely to affect gene or protein function. Given the available evidence, this variant is classified as Likely Pathogenic.

Labcorp Genetics (formerly Invitae), Labcorp
Classification: Pathogenic for Mucopolysaccharidosis type 1. Last evaluated: 2025-04-01. Review status: criteria provided, single submitter. Criteria: Invitae Variant Classification Sherloc (09022015). Collection method: clinical testing. Allele origin: germline. Not counted in ClinVar's aggregate classification.
Comment: This sequence change replaces alanine, which is neutral and non-polar, with valine, which is neutral and non-polar, at codon 319 of the IDUA protein (p.Ala319Val). This variant is not present in population databases (gnomAD no frequency). This missense change has been observed in individual(s) with mucopolysaccharidosis type I (PMID: 11735025, 16188808, 34148116). ClinVar contains an entry for this variant (Variation ID: 1683230). Invitae Evidence Modeling of protein sequence and biophysical properties (such as structural, functional, and spatial information, amino acid conservation, physicochemical variation, residue mobility, and thermodynamic stability) indicates that this missense variant is expected to disrupt IDUA protein function with a positive predictive value of 95%. Experimental studies have shown that this missense change affects IDUA function (PMID: 11735025). This variant disrupts the p.Ala319 amino acid residue in IDUA. Other variant(s) that disrupt this residue have been determined to be pathogenic (internal data). This suggests that this residue is clinically significant, and that variants that disrupt this residue are likely to be disease-causing. For these reasons, this variant has been classified as Pathogenic.

Women's Health and Genetics/Laboratory Corporation of America, LabCorp
Classification: Pathogenic for Mucopolysaccharidosis type 1. Last evaluated: 2022-04-29. Review status: criteria provided, single submitter. Criteria: LabCorp Variant Classification Summary - May 2015. Collection method: clinical testing. Allele origin: germline. Not counted in ClinVar's aggregate classification.
Comment: Variant summary: IDUA c.956C>T (p.Ala319Val) results in a non-conservative amino acid change in the encoded protein sequence. Five of five in-silico tools predict a damaging effect of the variant on protein function. The variant was absent in 162518 control chromosomes (gnomAD). c.956C>T has been reported in the literature in individuals affected with Mucopolysaccharidosis Type 1 (e.g. Beesley_2001, Vijay_2005, Ghosh_2017, Bahena_2022). These data indicate that the variant is likely to be associated with disease. Experimental evidence evaluating an impact on protein function demonstrated the variant reduced enzyme activity to background levels (Beesley_2001). No clinical diagnostic laboratories have submitted clinical-significance assessments for this variant to ClinVar after 2014. Based on the evidence outlined above, the variant was classified as pathogenic.

Revvity Omics, Revvity
Classification: Uncertain significance. Last evaluated: 2022-04-06. Review status: criteria provided, single submitter. Criteria: ACMG Guidelines, 2015. Collection method: clinical testing. Allele origin: germline. Not counted in ClinVar's aggregate classification.

Kariminejad - Najmabadi Pathology & Genetics Center
Classification: Likely pathogenic for Hurler syndrome. Review status: criteria provided, single submitter. Criteria: ACMG Guidelines, 2015. Collection method: clinical testing. Allele origin: germline. Affected: no. Not counted in ClinVar's aggregate classification.

Literature cited by the submitters: PubMed 11735025 (cited by 5 submitters); PubMed 16188808 (cited by 3 submitters); PubMed 34148116 (cited by 4 submitters); PubMed 31194252 (cited by Natera, Inc.); PubMed 28752568 (cited by Women's Health and Genetics/Laboratory Corporation of America, LabCorp).

NM_000203.5(IDUA):c.956C>T (p.Ala319Val)

Gene: IDUA (alpha-L-iduronidase; plus strand). Cytogenetic location: 4p16.3.
Variant type: single nucleotide variant.
Coding change: c.956C>T on transcript NM_000203.5 (MANE Select); coding-DNA position 956, C replaced by T.
Protein change: p.Ala319Val; replaces alanine 319 with valine.
Molecular consequence: missense variant. On other transcripts: non-coding transcript variant (1).
Genome position (GRCh38, 1-based): chr4:1,002,145, C>T. VCF-style: chr4-1002145-C-T. GRCh37 (hg19) VCF-style: chr4-995933-C-T.
Other names: NM_000203.5(IDUA):c.956C>T; p.Ala319Val; c.560C>T, p.Ala187Val (NM_001363576.1); c.956C>T (NM_000203.3); short protein forms A187V, A319V.
Identifiers: ClinVar variation 1683230 (VCV001683230.12), dbSNP rs781534097, ClinGen allele CA2802126.